The following is an entry in ClinVar:

NM_000095.3(COMP):c.925G>A (p.Gly309Arg)

Gene: COMP (cartilage oligomeric matrix protein; minus strand). Cytogenetic location: 19p13.11.
Variant type: single nucleotide variant.
Coding change: c.925G>A on transcript NM_000095.3 (MANE Select); coding-DNA position 925, G replaced by A.
Protein change: p.Gly309Arg; replaces glycine 309 with arginine.
Molecular consequence: missense variant.
Genome position (GRCh38, 1-based): chr19:18,788,262, C>T on the plus strand (G>A on the coding strand, the complement: COMP is on the minus strand). VCF-style: chr19-18788262-C-T. GRCh37 (hg19) VCF-style: chr19-18899071-C-T.
Other names: short protein forms G309R.
Identifiers: ClinVar variation 1332831 (VCV001332831.6), dbSNP rs2145903203, ClinGen allele CA404891243.

ClinVar aggregate classification (germline): Pathogenic/Likely pathogenic. Review status: criteria provided, multiple submitters, no conflicts (2 of 4 stars). 3 submissions from 3 submitters: Pathogenic (2); Likely pathogenic (1). Last evaluated 2025-03-01.

Conditions:
Pseudoachondroplastic spondyloepiphyseal dysplasia syndrome (PSACH). Also called: PSEUDOACHONDROPLASTIC DYSPLASIA; Pseudoachondroplasia; COMP-Related Pseudoachondroplasia. Identifiers: Orphanet 750, MedGen C0410538, MONDO:0008322, OMIM 177170.

Submissions (3):

Labcorp Genetics (formerly Invitae), Labcorp
Classification: Pathogenic. Last evaluated: 2025-03-01. Review status: criteria provided, single submitter. Criteria: Invitae Variant Classification Sherloc (09022015). Collection method: clinical testing. Allele origin: germline.
Comment: This sequence change replaces glycine, which is neutral and non-polar, with arginine, which is basic and polar, at codon 309 of the COMP protein (p.Gly309Arg). This variant is not present in population databases (gnomAD no frequency). This missense change has been observed in individuals with pseudoachondroplasia (PMID: 9756911, 34709441, 34750995). ClinVar contains an entry for this variant (Variation ID: 1332831). Invitae Evidence Modeling of protein sequence and biophysical properties (such as structural, functional, and spatial information, amino acid conservation, physicochemical variation, residue mobility, and thermodynamic stability) indicates that this missense variant is expected to disrupt COMP protein function with a positive predictive value of 80%. Experimental studies have shown that this missense change affects COMP function (PMID: 17570134). For these reasons, this variant has been classified as Pathogenic.

3billion
Classification: Likely pathogenic for Pseudoachondroplastic spondyloepiphyseal dysplasia syndrome. Last evaluated: 2024-09-04. Review status: criteria provided, single submitter. Criteria: ACMG Guidelines, 2015. Collection method: clinical testing. Allele origin: germline. Affected: yes.
Comment: The variant is not observed in the gnomAD v4.0.0 dataset. Predicted Consequence/Location: Missense changes are a common disease-causing mechanism. In silico tool predictions suggest damaging effect of the variant on gene or gene product [REVEL: 0.97 (>=0.6, sensitivity 0.68 and specificity 0.92); 3Cnet: 0.99 (>=0.6, sensitivity 0.72 and precision 0.9)]. The same nucleotide change resulting in the same amino acid change has been previously reported as pathogenic/likely pathogenic with strong evidence (ClinVar ID: VCV001332831 /PMID: 9756911). Therefore, this variant is classified as Likely pathogenic according to the recommendation of ACMG/AMP guideline.

Kasturba Medical College, Manipal, Kasturba Medical College, Manipal, Manipal Academy of Higher Education, Manipal, India
Classification: Pathogenic for Pseudoachondroplastic spondyloepiphyseal dysplasia syndrome. Review status: criteria provided, single submitter. Criteria: ACMG Guidelines, 2015. Collection method: clinical testing. Allele origin: de novo. Inheritance: Autosomal dominant inheritance. Affected: yes.

Literature cited by the submitters: PubMed 9756911 (cited by Labcorp Genetics (formerly Invitae), Labcorp and 3billion); PubMed 34709441 (cited by Labcorp Genetics (formerly Invitae), Labcorp); PubMed 34750995 (cited by Labcorp Genetics (formerly Invitae), Labcorp); PubMed 17570134 (cited by Labcorp Genetics (formerly Invitae), Labcorp); PubMed 15756302 (cited by Kasturba Medical College, Manipal, Kasturba Medical College, Manipal, Manipal Academy of Higher Education, Manipal, India).